The following is an entry in ClinVar:

ClinVar aggregate classification (germline): Likely benign. Review status: criteria provided, multiple submitters, no conflicts (2 of 4 stars). 4 submissions from 4 submitters: Likely benign (3). 1 of the submissions does not count toward it. Last evaluated 2025-11-23.

Conditions:
ABCC6-related disorder. Also called: ABCC6-related condition.

Allele frequency attached by ClinVar (database versions not stated): gnomAD exomes 0.00007 and 0.00023; 1000 Genomes Project 30x 0.00016; 1000 Genomes Project 0.00020; ExAC 0.00030; gnomAD 0.00076 and 0.00086; TOPMed 0.00083; ESP Exome Variant Server 0.00115.
gnomAD v4.1: 228 of 1,613,214 alleles (0.014%); highest among the groups gnomAD compares: African/African-American, 0.24%; no homozygotes.

Submissions (4):

Labcorp Genetics (formerly Invitae), Labcorp
Classification: Likely benign. Last evaluated: 2025-11-23. Review status: criteria provided, single submitter. Criteria: Invitae Variant Classification Sherloc (09022015). Collection method: clinical testing. Allele origin: germline.

Blueprint Genetics
Classification: Likely benign. Last evaluated: 2024-08-14. Review status: criteria provided, single submitter. Criteria: ACMG Guidelines, 2015. Collection method: clinical testing. Allele origin: germline.

Breakthrough Genomics
Classification: Likely benign. Review status: criteria provided, single submitter. Criteria: ACMG Guidelines, 2015. Collection method: not provided. Allele origin: germline. Inheritance: Autosomal recessive inheritance. Affected: yes.

PreventionGenetics, part of Exact Sciences
Classification: Likely benign for ABCC6-related condition. Last evaluated: 2024-05-11. Review status: no assertion criteria provided. Collection method: clinical testing. Allele origin: germline. Not counted in ClinVar's aggregate classification.
Comment: This variant is classified as likely benign based on ACMG/AMP sequence variant interpretation guidelines (Richards et al. 2015 PMID: 25741868, with internal and published modifications).

NM_001171.6(ABCC6):c.1783C>T (p.Arg595Trp)

Gene: ABCC6 (ATP binding cassette subfamily C member 6; minus strand). Cytogenetic location: 16p13.11.
Variant type: single nucleotide variant.
Coding change: c.1783C>T on transcript NM_001171.6 (MANE Select); coding-DNA position 1783, C replaced by T.
Protein change: p.Arg595Trp; replaces arginine 595 with tryptophan.
Molecular consequence: missense variant. On other transcripts: non-coding transcript variant (1).
Genome position (GRCh38, 1-based): chr16:16,187,208, G>A on the plus strand (C>T on the coding strand, the complement: ABCC6 is on the minus strand). VCF-style: chr16-16187208-G-A. GRCh37 (hg19) VCF-style: chr16-16281065-G-A.
Other names: c.1441C>T, p.Arg481Trp (NM_001351800.1); short protein forms R595W, R481W.
Identifiers: ClinVar variation 736798 (VCV000736798.13), dbSNP rs150866831, ClinGen allele CA7926157.